The following is an entry in ClinVar:

ClinVar aggregate classification (germline): Uncertain significance (1 of 4 stars; one submission).

Conditions:
Leber congenital amaurosis 6 (LCA6). Identifiers: Orphanet 65, MedGen C1854260, MONDO:0013446, OMIM 613826.
Cone-rod dystrophy 13 (CORD13). Identifiers: Orphanet 1872, MedGen C2750720, MONDO:0011987, OMIM 608194.

Submission:

Labcorp Genetics (formerly Invitae), Labcorp
Classification: Uncertain significance for Leber congenital amaurosis 6; Cone-rod dystrophy 13. Last evaluated: 2024-01-06. Review status: criteria provided, single submitter. Criteria: Invitae Variant Classification Sherloc (09022015). Collection method: clinical testing. Allele origin: unknown.
Comment: This variant results in a copy number gain of the genomic region encompassing exon(s) 1-9 of the RPGRIP1 gene. This region includes the initiator codon of the gene. This copy number gain extends beyond the assayed region for this gene and therefore may encompass additional genes. As the precise location of this event is unknown, it may be in tandem or it may be located elsewhere in the genome. This variant has not been reported in the literature in individuals affected with RPGRIP1-related conditions. In summary, the available evidence is currently insufficient to determine the role of this variant in disease. Therefore, it has been classified as a Variant of Uncertain Significance.

NC_000014.8:g.(?_21756136)_(21780685_?)dup

Gene: RPGRIP1 (RPGR interacting protein 1; plus strand). Cytogenetic location: 14q11.2.
Variant type: Duplication.
Identifiers: ClinVar variation 3243981 (VCV003243981.1).